The following is an entry in ClinVar:

ClinVar aggregate classification (germline): Likely pathogenic (1 of 4 stars; one submission).

Conditions:
Primary ciliary dyskinesia. Also called: Ciliary dyskinesia. Identifiers: Orphanet 244, MedGen C0008780, MONDO:0016575, HP:0012265.

gnomAD v4.1: 8 of 1,534,536 alleles (0.00052%); highest among the groups gnomAD compares: Non-Finnish European, 0.0007%; no homozygotes.

Submission:

Labcorp Genetics (formerly Invitae), Labcorp
Classification: Likely pathogenic for Primary ciliary dyskinesia. Last evaluated: 2025-04-14. Review status: criteria provided, single submitter. Criteria: Invitae Variant Classification Sherloc (09022015). Collection method: clinical testing. Allele origin: germline.
Comment: This sequence change affects a donor splice site in intron 5 of the MCIDAS gene. It is expected to disrupt RNA splicing. Variants that disrupt the donor or acceptor splice site typically lead to a loss of protein function (PMID: 16199547), and loss-of-function variants in MCIDAS are known to be pathogenic (PMID: 25048963). This variant is present in population databases (no rsID available, gnomAD 0.002%). This variant has not been reported in the literature in individuals affected with MCIDAS-related conditions. Algorithms developed to predict the effect of sequence changes on RNA splicing suggest that this variant may disrupt the consensus splice site. In summary, the currently available evidence indicates that the variant is pathogenic, but additional data are needed to prove that conclusively. Therefore, this variant has been classified as Likely Pathogenic.

Literature cited by the submitters: PubMed 16199547; PubMed 25048963.

NM_001190787.3(MCIDAS):c.606+1G>A

Gene: MCIDAS (multiciliate differentiation and DNA synthesis associated cell cycle protein; minus strand). Cytogenetic location: 5q11.2.
Variant type: single nucleotide variant.
Coding change: c.606+1G>A on transcript NM_001190787.3 (MANE Select); the canonical splice donor site of the intron after coding-DNA position 606, G replaced by A.
Molecular consequence: splice donor variant.
Genome position (GRCh38, 1-based): chr5:55,222,175, C>T on the plus strand (G>A on the coding strand, the complement: MCIDAS is on the minus strand). VCF-style: chr5-55222175-C-T. GRCh37 (hg19) VCF-style: chr5-54518003-C-T.
Identifiers: ClinVar variation 4737470 (VCV004737470.1).
Genomic context (GRCh38, chr5:55,222,175, plus strand): 5'-TTCCACCCTCTATATCCTGTCCCTGCCCCAGGATTCCTGGTCGCCAGACCAGTGTCCCTA[C>T]TTGATTATTCTCAACAAGCGCGTCTCCCAACGCTCTCTGGTTCTGGTCCGCCACCTCCTT-3'